The following is an entry in ClinVar:

ClinVar aggregate classification (germline): Conflicting classifications of pathogenicity. Review status: criteria provided, conflicting classifications (1 of 4 stars). 3 submissions from 3 submitters: Uncertain significance (1); Benign (1). 1 of the submissions does not count toward it. Last evaluated 2024-06-19.

Conditions:
PKD1L1-related disorder. Also called: PKD1L1-related condition.
Inborn genetic diseases. Identifiers: MedGen C0950123, MeSH D030342.

Allele frequency attached by ClinVar (database versions not stated): ExAC 0.00021; gnomAD 0.00061; ESP Exome Variant Server 0.00062; TOPMed 0.00072; 1000 Genomes Project 0.00100; 1000 Genomes Project 30x 0.00109.
gnomAD v4.1: 211 of 1,605,300 alleles (0.013%); highest among the groups gnomAD compares: African/African-American, 0.22%; 1 homozygote.

Submissions (3):

Ambry Genetics
Classification: Uncertain significance for Inborn genetic diseases. Last evaluated: 2024-06-19. Review status: criteria provided, single submitter. Criteria: Ambry Variant Classification Scheme 2023. Collection method: clinical testing. Allele origin: germline.

Labcorp Genetics (formerly Invitae), Labcorp
Classification: Benign. Last evaluated: 2022-12-20. Review status: criteria provided, single submitter. Criteria: Invitae Variant Classification Sherloc (09022015). Collection method: clinical testing. Allele origin: germline.

PreventionGenetics, part of Exact Sciences
Classification: Likely benign for PKD1L1-related condition. Last evaluated: 2022-01-27. Review status: no assertion criteria provided. Collection method: clinical testing. Allele origin: germline. Not counted in ClinVar's aggregate classification.
Comment: This variant is classified as likely benign based on ACMG/AMP sequence variant interpretation guidelines (Richards et al. 2015 PMID: 25741868, with internal and published modifications).

NM_138295.5(PKD1L1):c.3413G>A (p.Arg1138Gln)

Gene: PKD1L1 (polycystin 1 like 1, transient receptor potential channel interacting; minus strand). Cytogenetic location: 7p12.3.
Variant type: single nucleotide variant.
Coding change: c.3413G>A on transcript NM_138295.5 (MANE Select); coding-DNA position 3413, G replaced by A.
Protein change: p.Arg1138Gln; replaces arginine 1138 with glutamine.
Molecular consequence: missense variant.
Genome position (GRCh38, 1-based): chr7:47,881,938, C>T on the plus strand (G>A on the coding strand, the complement: PKD1L1 is on the minus strand). VCF-style: chr7-47881938-C-T. GRCh37 (hg19) VCF-style: chr7-47921536-C-T.
Other names: c.3413G>A (NM_138295.3); short protein forms R1138Q.
Identifiers: ClinVar variation 2157958 (VCV002157958.7), dbSNP rs146513154, ClinGen allele CA4253437.